The following is an entry in ClinVar:

ClinVar aggregate classification (germline): not provided (0 of 4 stars; one submission).

Conditions:
Large for gestational age. Identifiers: MedGen C1848395, HP:0001520.

Submission:

Institute of Molecular and Cell Biology, University of Tartu
No classification provided. Condition: Large for gestational age. Review status: no classification provided. Collection method: case-control. Allele origin: unknown. Affected: yes. Study: Kasak2014.
Comment: The study aimed to determine the contribution of copy number variants in the genetic etiology of normal and complicated pregnancies. The samples represented (i) maternal blood DNA drawn from healthy pregnant women during 1st or 2nd trimester and (ii) maternal and paternal blood DNA drawn at term pregnancy cases representing normal and complicated gestations (severe preeclampsia, PE; gestational diabetes, GD; small-for-gestational age newborn, SGA; large-for-gestational age newborn, LGA). We performed CNV calling based on genome-wide genotyping dataset (Illumina HumanOmniExpress-24-v1 BeadChip) by applying three algorithms, QuantiSNP, GADA (Genome Alteration Detection Algorithm) and CNstream in parallel. The acquired CNV calls were merged with HD-CNV (Hotspot Detector for Copy Number Variants) program and only the CNVs predicted by at least two programs, were considered in subsequent analysis.

Literature cited by the submitters: PubMed 25666259.

Single allele

Variant type: Deletion.
Identifiers: ClinVar variation 156965 (VCV000156965.2).